The following is an entry in ClinVar:

ClinVar aggregate classification (germline): Pathogenic (1 of 4 stars; one submission).

Submission:

GeneDx
Classification: Pathogenic. Last evaluated: 2017-09-14. Review status: criteria provided, single submitter. Criteria: GeneDx Variant Classification (06012015). Collection method: clinical testing. Allele origin: germline. Affected: yes.
Comment: The c.114_117dupACCG variant in the PAX9 gene has not been published as a pathogenic variant, nor has it been reported as a benign variant to our knowledge. The c.114_117dupACCG variant causes a frameshift starting with codon Cysteine 40, changes this amino acid to a Threonine residue, and creates a premature Stop codon at position 3 of the new reading frame, denoted p.Cys40ThrfsX3. This variant is predicted to cause loss of normal protein function either through protein truncation or nonsense-mediated mRNA decay. The c.114_117dupACCG variant is not observed in large population cohorts (Lek et al., 2016; 1000 Genomes Consortium et al., 2015; Exome Variant Server). We interpret c.114_117dupACCG as a pathogenic variant.

NM_001372076.1(PAX9):c.114_117dup (p.Cys40fs)

Gene: PAX9 (paired box 9; plus strand). Cytogenetic location: 14q13.3.
Variant type: Duplication.
Coding change: c.114_117dup on transcript NM_001372076.1 (MANE Select); coding-DNA positions 114 to 117, 4 bases duplicated (ACCG; older notation c.114_117dupACCG).
Protein change: p.Cys40fs; shifts the reading frame from cysteine 40.
Molecular consequence: frameshift variant.
Genome position (GRCh38, 1-based): chr14:36,663,006-36,663,009, ACCG duplicated; duplicating any 4 consecutive bases within chr14:36,663,003-36,663,009 gives the same sequence; the c. name uses the placement nearest the transcript's 3' end. VCF-style (leftmost placement, unchanged base first): chr14-36663002-T-TCCGA. GRCh37 (hg19) VCF-style: chr14-37132207-T-TCCGA.
Other names: c.114_117dupACCG (NM_006194.3); c.114_117dup, p.Cys40fs (NM_006194.4); short protein forms C40fs.
Identifiers: ClinVar variation 418946 (VCV000418946.2), dbSNP rs1555316699, ClinGen allele CA16619868.